The following is an entry in ClinVar:

ClinVar aggregate classification (germline): Uncertain significance (1 of 4 stars; one submission).

Allele frequency attached by ClinVar (database versions not stated): TOPMed 0.00001; gnomAD exomes 0.00001; 1000 Genomes Project 30x 0.00062; ExAC 0.00002; gnomAD 0.00003; 1000 Genomes Project 0.00040.
gnomAD v4.1: 17 of 1,614,202 alleles (0.0011%); highest among the groups gnomAD compares: East Asian, 0.0089%; no homozygotes.

Submission:

Labcorp Genetics (formerly Invitae), Labcorp
Classification: Uncertain significance. Last evaluated: 2024-08-12. Review status: criteria provided, single submitter. Criteria: Invitae Variant Classification Sherloc (09022015). Collection method: clinical testing. Allele origin: germline.
Comment: This sequence change affects codon 261 of the COQ6 mRNA. It is a 'silent' change, meaning that it does not change the encoded amino acid sequence of the COQ6 protein. This variant also falls at the last nucleotide of exon 7, which is part of the consensus splice site for this exon. This variant is present in population databases (rs199768730, gnomAD 0.01%). This variant has not been reported in the literature in individuals affected with COQ6-related conditions. ClinVar contains an entry for this variant (Variation ID: 1908008). Variants that disrupt the consensus splice site are a relatively common cause of aberrant splicing (PMID: 17576681, 9536098). Algorithms developed to predict the effect of sequence changes on RNA splicing suggest that this variant may disrupt the consensus splice site. In summary, the available evidence is currently insufficient to determine the role of this variant in disease. Therefore, it has been classified as a Variant of Uncertain Significance.

Literature cited by the submitters: PubMed 17576681; PubMed 9536098.

NM_182476.3(COQ6):c.783G>A (p.Pro261=)

Genes: COQ6 (coenzyme Q6, monooxygenase; plus strand), ENTPD5 (ectonucleoside triphosphate diphosphohydrolase 5; minus strand). Cytogenetic location: 14q24.3.
Variant type: single nucleotide variant.
Coding change: c.783G>A on transcript NM_182476.3 (MANE Select); coding-DNA position 783, G replaced by A.
Protein change: p.Pro261=; no amino-acid change (proline 261 retained).
Molecular consequence: synonymous variant. On other transcripts: 3 prime UTR variant (3), intron variant (2).
Genome position (GRCh38, 1-based): chr14:73,959,224, G>A. VCF-style: chr14-73959224-G-A. GRCh37 (hg19) VCF-style: chr14-74425927-G-A.
Other names: c.783G>A, p.Pro261= (NM_001425255.1, NM_001425256.1); c.618G>A, p.Pro206= (NM_001425257.1); c.708G>A, p.Pro236= (NM_001425258.1, NM_182480.3); c.558G>A, p.Pro186= (NM_001425259.1, NM_001425260.1, NM_001425261.1); c.528G>A, p.Pro176= (NM_001425262.1); c.456G>A, p.Pro152= (NM_001425263.1); c.243G>A, p.Pro81= (NM_001425264.1, NM_001425265.1); c.*306C>T (NM_001330189.2, NM_001382259.1, NM_001382260.1); and 2 more.
Identifiers: ClinVar variation 1908008 (VCV001908008.4), dbSNP rs199768730, ClinGen allele CA7264305.